The following is an entry in ClinVar:

ClinVar aggregate classification (germline): Uncertain significance. Review status: criteria provided, multiple submitters, no conflicts (2 of 4 stars). 2 submissions from 2 submitters: Uncertain significance (2). Last evaluated 2026-07-19.

Conditions:
Charcot-Marie-Tooth disease dominant intermediate E. Also called: CHARCOT-MARIE-TOOTH NEUROPATHY WITH FOCAL SEGMENTAL GLOMERULONEPHRITIS. Identifiers: Orphanet 93114, MedGen C4302667, MONDO:0013758, OMIM 614455.
Focal segmental glomerulosclerosis 5 (FSGS5). Identifiers: Orphanet 656, MedGen C2750475, MONDO:0013191, OMIM 613237.
INF2-related disorder. Also called: INF2-related condition.

gnomAD v4.1: 1 of 1,590,068 alleles (0.000063%); highest among the groups gnomAD compares: Non-Finnish European, 0.000086%; no homozygotes.

Submissions (2):

PreventionGenetics, part of Exact Sciences
Classification: Uncertain significance for INF2-related condition. Last evaluated: 2026-07-19. Review status: criteria provided, single submitter. Criteria: ACMG Guidelines, 2015. Collection method: clinical testing. Allele origin: germline.
Comment: The INF2 c.3161C>G variant is predicted to result in the amino acid substitution p.Thr1054Ser. To our knowledge, this variant has not been reported in the literature or in a large population database (gnomAD), indicating this variant is rare. At this time, the clinical significance of this variant is uncertain due to the absence of conclusive functional and genetic evidence.

Fulgent Genetics
Classification: Uncertain significance for Focal segmental glomerulosclerosis 5; Charcot-Marie-Tooth disease dominant intermediate E. Last evaluated: 2024-06-07. Review status: criteria provided, single submitter. Criteria: ACMG Guidelines, 2015. Collection method: clinical testing. Allele origin: germline.

NM_022489.4(INF2):c.3161C>G (p.Thr1054Ser)

Gene: INF2 (inverted formin 2; plus strand). Cytogenetic location: 14q32.33.
Variant type: single nucleotide variant.
Coding change: c.3161C>G on transcript NM_022489.4 (MANE Select); coding-DNA position 3161, C replaced by G.
Protein change: p.Thr1054Ser; replaces threonine 1054 with serine.
Molecular consequence: missense variant. On other transcripts: non-coding transcript variant (1).
Genome position (GRCh38, 1-based): chr14:104,714,323, C>G. VCF-style: chr14-104714323-C-G. GRCh37 (hg19) VCF-style: chr14-105180660-C-G.
Other names: c.3161C>G, p.Thr1054Ser (NM_001031714.4, NM_001426862.1, NM_001426863.1 and 2 more transcripts); c.3161C>G (NM_022489.3); short protein forms T1054S.
Identifiers: ClinVar variation 3576470 (VCV003576470.2).
Genomic context (GRCh38, chr14:104,714,323, plus strand): 5'-CCGGCCTTGATGCTACAACAGCCAGCGAGTCCCGGGGCTGGGACCTTGTAGACGCCGTGA[C>G]CCCCGGCCCTCAGCCCACCCTGGAGCAGTTGGAGGAGGGTGGTCCACGGCCCCTGGAGAG-3'
Protein context (NP_071934.3, residues 1044-1064): SRGWDLVDAV[Thr1054Ser]PGPQPTLEQL